The following is an entry in ClinVar:

ClinVar aggregate classification (germline): Pathogenic (1 of 4 stars; one submission).

Conditions:
Spastic paraplegia. Identifiers: MedGen C0037772, HP:0001258.

Submission:

Labcorp Genetics (formerly Invitae), Labcorp
Classification: Pathogenic for Spastic paraplegia. Last evaluated: 2021-09-15. Review status: criteria provided, single submitter. Criteria: Invitae Variant Classification Sherloc (09022015). Collection method: clinical testing. Allele origin: germline.
Comment: This variant disrupts a region of the SACS protein in which other variant(s) (p.Tyr4538*) have been determined to be pathogenic (Invitae). This suggests that this is a clinically significant region of the protein, and that variants that disrupt it are likely to be disease-causing. This sequence change creates a premature translational stop signal (p.Tyr2922*) in the SACS gene. While this is not anticipated to result in nonsense mediated decay, it is expected to disrupt the last 1658 amino acid(s) of the SACS protein. This variant is not present in population databases (ExAC no frequency). This variant has not been reported in the literature in individuals affected with SACS-related conditions. For these reasons, this variant has been classified as Pathogenic.

NM_014363.6(SACS):c.8765dup (p.Tyr2922Ter)

Gene: SACS (sacsin molecular chaperone; minus strand). Cytogenetic location: 13q12.12.
Variant type: Duplication.
Coding change: c.8765dup on transcript NM_014363.6 (MANE Select); coding-DNA position 8765, one base duplicated (A; older notation c.8765dupA).
Protein change: p.Tyr2922Ter; replaces tyrosine 2922 with a stop codon.
Molecular consequence: nonsense.
Genome position (GRCh38, 1-based): chr13:23,335,111, T duplicated on the plus strand (A on the coding strand, the reverse complement: SACS is on the minus strand). VCF-style (leftmost placement, unchanged base first): chr13-23335110-A-AT. GRCh37 (hg19) VCF-style: chr13-23909249-A-AT.
Other names: c.8324dup, p.Tyr2775Ter (NM_001278055.2); short protein forms Y2775*, Y2922*.
Identifiers: ClinVar variation 1452390 (VCV001452390.6), dbSNP rs2137589721, ClinGen allele CA2573149149.
Genomic context (GRCh38, chr13:23,335,110, plus strand): 5'-TGATAATGTTGGATCAGAACCAGGGAAATACCGTTTTTTTAACTGTATTAGCAATTCAAC[A>AT]TATGCAGGAGCTATTAATGCTGTCATTAAACTGTTATTCCAGTCACTTCGAACACCAACT-3'